The following is an entry in ClinVar:

NM_001330360.2(POLA1):c.2462A>G (p.Lys821Arg)

Gene: POLA1 (DNA polymerase alpha 1, catalytic subunit; plus strand). Cytogenetic location: Xp22.11.
Variant type: single nucleotide variant.
Coding change: c.2462A>G on transcript NM_001330360.2 (MANE Select); coding-DNA position 2462, A replaced by G.
Protein change: p.Lys821Arg; replaces lysine 821 with arginine.
Molecular consequence: missense variant. On other transcripts: non-coding transcript variant (1).
Genome position (GRCh38, 1-based): chrX:24,742,117, A>G. VCF-style: chrX-24742117-A-G. GRCh37 (hg19) VCF-style: chrX-24760234-A-G.
Other names: c.2387A>G, p.Lys796Arg (NM_001378303.1); c.2462A>G, p.Lys821Arg (NM_001440806.1); c.2444A>G, p.Lys815Arg (NM_016937.4); short protein forms K815R, K796R, K821R.
Identifiers: ClinVar variation 4762061 (VCV004762061.1).

ClinVar aggregate classification (germline): Uncertain significance (1 of 4 stars; one submission).

gnomAD v4.1: 5 of 1,203,961 alleles (0.00042%); highest among the groups gnomAD compares: East Asian, 0.015%; no homozygotes.

Submission:

Labcorp Genetics (formerly Invitae), Labcorp
Classification: Uncertain significance. Last evaluated: 2025-06-27. Review status: criteria provided, single submitter. Criteria: Invitae Variant Classification Sherloc (09022015). Collection method: clinical testing. Allele origin: germline.
Comment: This sequence change replaces lysine, which is basic and polar, with arginine, which is basic and polar, at codon 815 of the POLA1 protein (p.Lys815Arg). This variant is present in population databases (rs776859599, gnomAD 0.04%), including at least one homozygous and/or hemizygous individual. This variant has not been reported in the literature in individuals affected with POLA1-related conditions. Invitae Evidence Modeling of protein sequence and biophysical properties (such as structural, functional, and spatial information, amino acid conservation, physicochemical variation, residue mobility, and thermodynamic stability) indicates that this missense variant is not expected to disrupt POLA1 protein function with a negative predictive value of 80%. In summary, the available evidence is currently insufficient to determine the role of this variant in disease. Therefore, it has been classified as a Variant of Uncertain Significance.